The following is an entry in ClinVar:

ClinVar aggregate classification (germline): Pathogenic. Review status: criteria provided, multiple submitters, no conflicts (2 of 4 stars). 2 submissions from 2 submitters: Pathogenic (2). Last evaluated 2025-10-13.

Conditions:
Spastic paraplegia. Identifiers: MedGen C0037772, HP:0001258.
Hereditary spastic paraplegia 35. Also called: SPASTIC PARAPLEGIA 35, AUTOSOMAL RECESSIVE, WITH OR WITHOUT NEURODEGENERATION; Spastic paraplegia 35; LEUKODYSTROPHY, DYSMYELINATING, AND SPASTIC PARAPARESIS WITH OR WITHOUT DYSTONIA; Spastic paraplegia 35, autosomal recessive. Identifiers: Orphanet 171629, MedGen C3496228, MONDO:0012866, OMIM 612319.

Submissions (2):

Labcorp Genetics (formerly Invitae), Labcorp
Classification: Pathogenic for Spastic paraplegia. Last evaluated: 2025-10-13. Review status: criteria provided, single submitter. Criteria: Invitae Variant Classification Sherloc (09022015). Collection method: clinical testing. Allele origin: germline.
Comment: This sequence change affects the initiator codon of the FA2H mRNA. This change may impact translation initiation or efficiency. The next in-frame methionine is located at codon 93. This variant is not present in population databases (gnomAD no frequency). Disruption of the initiator codon has been observed in individual(s) with clinical features of hereditary spastic paraplegia (internal data). In at least one individual the data is consistent with being in trans (on the opposite chromosome) from a pathogenic variant. ClinVar contains an entry for this variant (Variation ID: 1373656). This variant disrupts the p.Glu78 amino acid residue in FA2H. Other variant(s) that disrupt this residue have been determined to be pathogenic (PMID: 31135052, 31429931). This suggests that this residue is clinically significant, and that variants that disrupt this residue are likely to be disease-causing. For these reasons, this variant has been classified as Pathogenic.

Genomic Medicine Center of Excellence, King Faisal Specialist Hospital and Research Centre
Classification: Pathogenic for Hereditary spastic paraplegia 35. Last evaluated: 2024-03-26. Review status: criteria provided, single submitter. Criteria: ACMG Guidelines, 2015. Collection method: clinical testing. Allele origin: germline.

Literature cited by the submitters: PubMed 31135052 (cited by Labcorp Genetics (formerly Invitae), Labcorp); PubMed 31429931 (cited by Labcorp Genetics (formerly Invitae), Labcorp).

NM_024306.5(FA2H):c.1A>G (p.Met1Val)

Genes: FA2H (fatty acid 2-hydroxylase; minus strand), LOC130059394 (ATAC-STARR-seq lymphoblastoid silent region 7701; plus strand). Cytogenetic location: 16q23.1.
Variant type: single nucleotide variant.
Coding change: c.1A>G on transcript NM_024306.5 (MANE Select); coding-DNA position 1, A replaced by G.
Protein change: p.Met1Val; changes the start codon (methionine 1).
Molecular consequence: missense variant, initiator codon variant.
Genome position (GRCh38, 1-based): chr16:74,774,755, T>C on the plus strand (A>G on the coding strand, the complement: FA2H is on the minus strand). VCF-style: chr16-74774755-T-C. GRCh37 (hg19) VCF-style: chr16-74808653-T-C.
Other names: short protein forms M1V.
Identifiers: ClinVar variation 1373656 (VCV001373656.7), dbSNP rs1962978958, ClinGen allele CA396768614.